The following is an entry in ClinVar:

ClinVar aggregate classification (germline): Conflicting classifications of pathogenicity. Review status: criteria provided, conflicting classifications (1 of 4 stars). 5 submissions from 5 submitters: Uncertain significance (3); Likely benign (1). 1 of the submissions does not count toward it. Last evaluated 2026-01-11.

Conditions:
Cardiovascular phenotype. Identifiers: MedGen CN230736.
Glycogen storage disease, type II (IOPD). Also called: CARDIOMEGALIA GLYCOGENICA DIFFUSA; GLYCOGENOSIS, GENERALIZED, CARDIAC FORM; GSD II; Glycogen storage disease type 2; Acid maltase deficiency disease; Aglucosidase alfa. Identifiers: Orphanet 365, MedGen C0017921, MONDO:0009290, OMIM 232300.

Allele frequency attached by ClinVar (database versions not stated): gnomAD 0.00013; gnomAD exomes 0.00014; ExAC 0.00015; TOPMed 0.00021; 1000 Genomes Project 30x 0.00031; 1000 Genomes Project 0.00040.
gnomAD v4.1: 53 of 1,612,820 alleles (0.0033%); highest among the groups gnomAD compares: East Asian, 0.076%; no homozygotes.

Submissions (5):

Labcorp Genetics (formerly Invitae), Labcorp
Classification: Likely benign for Glycogen storage disease, type II. Last evaluated: 2026-01-11. Review status: criteria provided, single submitter. Criteria: Invitae Variant Classification Sherloc (09022015). Collection method: clinical testing. Allele origin: germline.

Revvity Omics, Revvity
Classification: Uncertain significance. Last evaluated: 2023-09-26. Review status: criteria provided, single submitter. Criteria: ACMG Guidelines, 2015. Collection method: clinical testing. Allele origin: germline.

Ambry Genetics
Classification: Uncertain significance for Cardiovascular phenotype. Last evaluated: 2023-07-17. Review status: criteria provided, single submitter. Criteria: Ambry Variant Classification Scheme 2023. Collection method: clinical testing. Allele origin: germline.
Comment: The p.R794H variant (also known as c.2381G>A), located in coding exon 16 of the GAA gene, results from a G to A substitution at nucleotide position 2381. The arginine at codon 794 is replaced by histidine, an amino acid with highly similar properties. This amino acid position is poorly conserved in available vertebrate species. In addition, this alteration is predicted to be tolerated by in silico analysis. Since supporting evidence is limited at this time, the clinical significance of this alteration remains unclear.

GeneDx
Classification: Uncertain significance. Last evaluated: 2023-03-21. Review status: criteria provided, single submitter. Criteria: GeneDx Variant Classification Process June 2021. Collection method: clinical testing. Allele origin: germline. Affected: yes.
Comment: In silico analysis supports that this missense variant does not alter protein structure/function; Has not been previously published as pathogenic or benign to our knowledge

Natera, Inc.
Classification: Uncertain significance for Glycogen storage disease type II. Last evaluated: 2019-10-28. Review status: no assertion criteria provided. Collection method: clinical testing. Allele origin: germline. Not counted in ClinVar's aggregate classification.

NM_000152.5(GAA):c.2381G>A (p.Arg794His)

Gene: GAA (alpha glucosidase; plus strand). Cytogenetic location: 17q25.3.
Variant type: single nucleotide variant.
Coding change: c.2381G>A on transcript NM_000152.5 (MANE Select); coding-DNA position 2381, G replaced by A.
Protein change: p.Arg794His; replaces arginine 794 with histidine.
Molecular consequence: missense variant.
Genome position (GRCh38, 1-based): chr17:80,117,649, G>A. VCF-style: chr17-80117649-G-A. GRCh37 (hg19) VCF-style: chr17-78091448-G-A.
Other names: c.2381G>A (LRG_673t1); c.2381G>A, p.Arg794His (NM_001079803.3, NM_001079804.3); short protein forms R794H.
Identifiers: ClinVar variation 568087 (VCV000568087.18), dbSNP rs200505871, ClinGen allele CA8815722.